The following is an entry in ClinVar:

NM_000090.4(COL3A1):c.23G>A (p.Gly8Glu)

Gene: COL3A1 (collagen type III alpha 1 chain; plus strand). Cytogenetic location: 2q32.2.
Variant type: single nucleotide variant.
Coding change: c.23G>A on transcript NM_000090.4 (MANE Select); coding-DNA position 23, G replaced by A.
Protein change: p.Gly8Glu; replaces glycine 8 with glutamic acid.
Molecular consequence: missense variant.
Genome position (GRCh38, 1-based): chr2:188,974,512, G>A. VCF-style: chr2-188974512-G-A. GRCh37 (hg19) VCF-style: chr2-189839238-G-A.
Other names: short protein forms G8E.
Identifiers: ClinVar variation 1310978 (VCV001310978.7), dbSNP rs2153500011, ClinGen allele CA349845386.

ClinVar aggregate classification (germline): Uncertain significance. Review status: criteria provided, multiple submitters, no conflicts (2 of 4 stars). 3 submissions from 3 submitters: Uncertain significance (3). Last evaluated 2023-10-02.

Conditions:
Ehlers-Danlos syndrome, type 4 (EDSVASC). Also called: Ehlers-Danlos syndrome vascular type; Ehlers Danlos syndrome, ecchymotic type; Ehlers Danlos syndrome, arterial type; Ehlers Danlos syndrome, Sack-Barabas type; Ehlers-Danlos Syndrome Type IV. Identifiers: Orphanet 286, MedGen C0268338, MONDO:0017314, OMIM 130050.

Submissions (3):

All of Us Research Program, National Institutes of Health
Classification: Uncertain significance for Ehlers-Danlos syndrome, type 4. Last evaluated: 2023-10-02. Review status: criteria provided, single submitter. Criteria: ACMG Guidelines, 2015. Collection method: clinical testing. Allele origin: germline. Inheritance: Autosomal dominant inheritance. Observed: 1 variant allele, 1 heterozygote.
Comment: This variant is absent from or rare in large population databases, including the Genome Aggregation Database. To date, this variant has not been reported in the literature in individuals with vEDS. This variant is not expected to disrupt protein function.

This study involves interpretation of variants in research participants for the purpose of population health screening. Participant phenotype was not available at the time of variant classification. Additional details can be found in publication PMID: 35346344, PMCID: PMC8962531

Labcorp Genetics (formerly Invitae), Labcorp
Classification: Uncertain significance for Ehlers-Danlos syndrome, type 4. Last evaluated: 2022-09-23. Review status: criteria provided, single submitter. Criteria: Invitae Variant Classification Sherloc (09022015). Collection method: clinical testing. Allele origin: germline.
Comment: ClinVar contains an entry for this variant (Variation ID: 1310978). Advanced modeling of protein sequence and biophysical properties (such as structural, functional, and spatial information, amino acid conservation, physicochemical variation, residue mobility, and thermodynamic stability) performed at Invitae indicates that this missense variant is not expected to disrupt COL3A1 protein function. In summary, the available evidence is currently insufficient to determine the role of this variant in disease. Therefore, it has been classified as a Variant of Uncertain Significance. This sequence change replaces glycine, which is neutral and non-polar, with glutamic acid, which is acidic and polar, at codon 8 of the COL3A1 protein (p.Gly8Glu). This variant is not present in population databases (gnomAD no frequency). This variant has not been reported in the literature in individuals affected with COL3A1-related conditions.

GeneDx
Classification: Uncertain significance. Last evaluated: 2019-12-11. Review status: criteria provided, single submitter. Criteria: GeneDx Variant Classification Process June 2021. Collection method: clinical testing. Allele origin: germline. Affected: yes.
Comment: Has not been previously published as pathogenic or benign to our knowledge; Not observed in large population cohorts (Lek et al., 2016); In silico analysis, which includes protein predictors and evolutionary conservation, supports that this variant does not alter protein structure/function